The following is an entry in ClinVar:

NM_004100.5(EYA4):c.550A>G (p.Thr184Ala)

Gene: EYA4 (EYA transcriptional coactivator and phosphatase 4; plus strand). Cytogenetic location: 6q23.2.
Variant type: single nucleotide variant.
Coding change: c.550A>G on transcript NM_004100.5 (MANE Select); coding-DNA position 550, A replaced by G.
Protein change: p.Thr184Ala; replaces threonine 184 with alanine.
Molecular consequence: missense variant.
Genome position (GRCh38, 1-based): chr6:133,462,447, A>G. VCF-style: chr6-133462447-A-G. GRCh37 (hg19) VCF-style: chr6-133783585-A-G.
Other names: c.388A>G, p.Thr130Ala (NM_001301012.2, NM_001370459.1); c.550A>G, p.Thr184Ala (NM_001301013.2, NM_172105.4); c.481A>G, p.Thr161Ala (NM_001370458.1, NM_172103.4); short protein forms T184A, T130A, T161A.
Identifiers: ClinVar variation 264605 (VCV000264605.16), dbSNP rs886039203, ClinGen allele CA10587625.

ClinVar aggregate classification (germline): Uncertain significance. Review status: criteria provided, multiple submitters, no conflicts (2 of 4 stars). 3 submissions from 3 submitters: Uncertain significance (3). Last evaluated 2025-01-21.

Conditions:
Dilated cardiomyopathy 1J (CMD1J). Also called: CARDIOMYOPATHY, DILATED, WITH SENSORINEURAL HEARING LOSS, AUTOSOMAL DOMINANT. Identifiers: Orphanet 217622, MedGen C1854368, MONDO:0011541, OMIM 605362.
Cardiovascular phenotype. Identifiers: MedGen CN230736.

Allele frequency attached by ClinVar (database versions not stated): gnomAD 0.00001 and 0.00002; TOPMed 0.00005.
gnomAD v4.1: 9 of 1,613,966 alleles (0.00056%); highest among the groups gnomAD compares: Admixed American, 0.0083%; no homozygotes.

Submissions (3):

GeneDx
Classification: Uncertain significance. Last evaluated: 2025-01-21. Review status: criteria provided, single submitter. Criteria: GeneDx Variant Classification Process June 2021. Collection method: clinical testing. Allele origin: germline. Affected: yes.
Comment: Has not been previously published as pathogenic or benign to our knowledge; Not observed at significant frequency in large population cohorts (gnomAD); In silico analysis indicates that this missense variant does not alter protein structure/function

Labcorp Genetics (formerly Invitae), Labcorp
Classification: Uncertain significance for Dilated cardiomyopathy 1J. Last evaluated: 2024-10-12. Review status: criteria provided, single submitter. Criteria: Invitae Variant Classification Sherloc (09022015). Collection method: clinical testing. Allele origin: germline.
Comment: This sequence change replaces threonine, which is neutral and polar, with alanine, which is neutral and non-polar, at codon 184 of the EYA4 protein (p.Thr184Ala). This variant is not present in population databases (gnomAD no frequency). This variant has not been reported in the literature in individuals affected with EYA4-related conditions. ClinVar contains an entry for this variant (Variation ID: 264605). Invitae Evidence Modeling of protein sequence and biophysical properties (such as structural, functional, and spatial information, amino acid conservation, physicochemical variation, residue mobility, and thermodynamic stability) indicates that this missense variant is not expected to disrupt EYA4 protein function with a negative predictive value of 80%. In summary, the available evidence is currently insufficient to determine the role of this variant in disease. Therefore, it has been classified as a Variant of Uncertain Significance.

Ambry Genetics
Classification: Uncertain significance for Cardiovascular phenotype. Last evaluated: 2019-09-20. Review status: criteria provided, single submitter. Criteria: Ambry Variant Classification Scheme 2023. Collection method: clinical testing. Allele origin: germline.
Comment: The p.T184A variant (also known as c.550A>G), located in coding exon 7 of the EYA4 gene, results from an A to G substitution at nucleotide position 550. The threonine at codon 184 is replaced by alanine, an amino acid with some similar properties. This amino acid position is highly conserved in available vertebrate species. In addition, the in silico prediction for this alteration is inconclusive. Since supporting evidence is limited at this time, the clinical significance of this variant remains unclear.